The following is an entry in ClinVar:

ClinVar aggregate classification (germline): Benign/Likely benign. Review status: criteria provided, multiple submitters, no conflicts (2 of 4 stars). 3 submissions from 3 submitters: Benign (1); Likely benign (2). Last evaluated 2025-01-23.

Conditions:
Hereditary nonpolyposis colorectal neoplasms. Identifiers: MedGen C0009405, MeSH D003123.
Hereditary cancer-predisposing syndrome. Also called: Hereditary Cancer Syndrome; Hereditary neoplastic syndrome; Neoplastic Syndromes, Hereditary; Tumor predisposition. Identifiers: Orphanet 140162, MedGen C0027672, MeSH D009386, MONDO:0015356.
Lynch syndrome 4 (LYNCH4). Also called: Hereditary non-polyposis colorectal cancer, type 4; Colorectal cancer, hereditary nonpolyposis, type 4. Identifiers: Orphanet 144, MedGen C1838333, MONDO:0013699, OMIM 614337. Disease mechanism: loss of function.

Submissions (3):

Myriad Genetics, Inc.
Classification: Benign for Lynch syndrome 4. Last evaluated: 2025-01-23. Review status: criteria provided, single submitter. Criteria: Myriad Autosomal Dominant, Autosomal Recessive and X-Linked Classification Criteria (2023). Collection method: clinical testing. Allele origin: unknown.
Comment: This variant is considered benign. This variant is a silent/synonymous amino acid change and it is not expected to impact splicing.

Labcorp Genetics (formerly Invitae), Labcorp
Classification: Likely benign for Hereditary nonpolyposis colorectal neoplasms. Last evaluated: 2022-12-29. Review status: criteria provided, single submitter. Criteria: Invitae Variant Classification Sherloc (09022015). Collection method: clinical testing. Allele origin: germline.

Ambry Genetics
Classification: Likely benign for Hereditary cancer-predisposing syndrome. Last evaluated: 2019-10-15. Review status: criteria provided, single submitter. Criteria: Ambry Variant Classification Scheme 2023. Collection method: clinical testing. Allele origin: germline.

NM_000535.7(PMS2):c.147T>C (p.Ala49=)

Gene: PMS2 (PMS1 homolog 2, mismatch repair system component; minus strand). Cytogenetic location: 7p22.1.
Variant type: single nucleotide variant.
Coding change: c.147T>C on transcript NM_000535.7 (MANE Select); coding-DNA position 147, T replaced by C.
Protein change: p.Ala49=; no amino-acid change (alanine 49 retained).
Molecular consequence: synonymous variant. On other transcripts: 5 prime UTR variant (38), non-coding transcript variant (1), intron variant (7).
Genome position (GRCh38, 1-based): chr7:6,005,908, A>G on the plus strand (T>C on the coding strand, the complement: PMS2 is on the minus strand). VCF-style: chr7-6005908-A-G. GRCh37 (hg19) VCF-style: chr7-6045539-A-G.
Other names: c.-259T>C (NM_001018040.1, NM_001322003.2, NM_001322005.2 and 11 more transcripts); c.147T>C, p.Ala49= (NM_001322006.2, NM_001322014.2, NM_001406868.1 and 10 more transcripts); c.-69T>C (NM_001322007.2, NM_001406876.1, NM_001406883.1 and 4 more transcripts); c.-738T>C (NM_001322011.2, NM_001322012.2); c.-338T>C (NM_001322015.2, NM_001406875.1, NM_001406877.1 and 2 more transcripts); c.333T>C, p.Ala111= (NM_001406866.1); c.-285T>C (NM_001406880.1); c.-206T>C (NM_001406888.1, NM_001406889.1, NM_001406892.1 and 5 more transcripts); and 7 more.
Identifiers: ClinVar variation 1773549 (VCV001773549.6), dbSNP rs2128844020, ClinGen allele CA453649958.